The following is an entry in ClinVar:

ClinVar aggregate classification (germline): Uncertain significance (1 of 4 stars; one submission).

Submission:

GeneDx
Classification: Uncertain significance. Last evaluated: 2026-08-11. Review status: criteria provided, single submitter. Criteria: GeneDx Variant Classification Process June 2021. Collection method: clinical testing. Allele origin: germline.
Comment: In-frame deletion of 1 amino acid in a non-repeat region; In silico analysis supports a deleterious effect on protein structure/function; Has not been previously published as pathogenic or benign to our knowledge

NM_182931.3(KMT2E):c.5299CAT[1] (p.His1768del)

Gene: KMT2E (lysine methyltransferase 2E (inactive); plus strand). Cytogenetic location: 7q22.3.
Variant type: Microsatellite.
Coding change: c.5299CAT[1] on transcript NM_182931.3 (MANE Select); one copy of the 3-base unit CAT starting at c.5299; the reference has two copies in a row; one copy, 3 bases deleted.
Protein change: p.His1768del; deletes histidine 1768.
Genome position (GRCh38, 1-based): chr7:105,113,058-105,113,060, CAT deleted; deleting any 3 consecutive bases within chr7:105,113,055-105,113,060 gives the same sequence; the position shown is the placement nearest the transcript's 3' end. VCF-style (leftmost placement, unchanged base first): chr7-105113054-ACAT-A. GRCh37 (hg19) VCF-style: chr7-104753501-ACAT-A.
Other names: c.5173CAT[1], p.His1726del (NM_001410908.1); c.5299CAT[1], p.His1768del (NM_018682.4); short protein forms H1726del, H1768del.
Identifiers: ClinVar variation 3359325 (VCV003359325.2).